The following is an entry in ClinVar:

NM_004304.5(ALK):c.4301A>G (p.Glu1434Gly)

Gene: ALK (ALK receptor tyrosine kinase; minus strand). Cytogenetic location: 2p23.2.
Variant type: single nucleotide variant.
Coding change: c.4301A>G on transcript NM_004304.5 (MANE Select); coding-DNA position 4301, A replaced by G.
Protein change: p.Glu1434Gly; replaces glutamic acid 1434 with glycine.
Molecular consequence: missense variant.
Genome position (GRCh38, 1-based): chr2:29,193,786, T>C on the plus strand (A>G on the coding strand, the complement: ALK is on the minus strand). VCF-style: chr2-29193786-T-C. GRCh37 (hg19) VCF-style: chr2-29416652-T-C.
Other names: c.1097A>G, p.Glu366Gly (NM_001353765.2); c.4301A>G (NM_004304.4); short protein forms E1434G, E366G.
Identifiers: ClinVar variation 2083802 (VCV002083802.6), dbSNP rs1320328121, ClinGen allele CA346462721.
Genomic context (GRCh38, chr2:29,193,786, plus strand): 5'-TTTGCAGCCTTGCCAGAGGAGGTGGTAGGCAGAGGTGGTGGGGCAGCTGGGCTGCGCTCC[T>C]CCTCCCGTTTTGCCTGTTGAGAGACCAGGAGAGGAGGAACCCCCTCAGGGTCCTTGGGCC-3'
Protein context (NP_004295.2, residues 1424-1444): LLVSQQAKRE[Glu1434Gly]ERSPAAPPPL

ClinVar aggregate classification (germline): Uncertain significance. Review status: criteria provided, multiple submitters, no conflicts (2 of 4 stars). 3 submissions from 3 submitters: Uncertain significance (3). Last evaluated 2024-04-09.

Conditions:
Hereditary cancer-predisposing syndrome. Also called: Hereditary Cancer Syndrome; Hereditary neoplastic syndrome; Neoplastic Syndromes, Hereditary; Tumor predisposition. Identifiers: Orphanet 140162, MedGen C0027672, MeSH D009386, MONDO:0015356.
Neuroblastoma, susceptibility to, 3. Also called: ALK-Related Neuroblastic Tumor Susceptibility. Identifiers: Orphanet 635, MedGen C2751681, MONDO:0013083, OMIM 613014.

Allele frequency attached by ClinVar (database versions not stated): gnomAD exomes below 0.00001; TOPMed below 0.00001.
gnomAD v4.1: 1 of 1,594,632 alleles (0.000063%); highest among the groups gnomAD compares: African/African-American, 0.0013%; no homozygotes.

Submissions (3):

Ambry Genetics
Classification: Uncertain significance for Hereditary cancer-predisposing syndrome. Last evaluated: 2024-04-09. Review status: criteria provided, single submitter. Criteria: Ambry Variant Classification Scheme 2023. Collection method: clinical testing. Allele origin: germline.
Comment: The p.E1434G variant (also known as c.4301A>G), located in coding exon 29 of the ALK gene, results from an A to G substitution at nucleotide position 4301. The glutamic acid at codon 1434 is replaced by glycine, an amino acid with similar properties. This amino acid position is conserved. In addition, this alteration is predicted to be tolerated by in silico analysis. Based on the available evidence, the clinical significance of this variant remains unclear.

Baylor Genetics
Classification: Uncertain significance for Neuroblastoma, susceptibility to, 3. Last evaluated: 2024-02-02. Review status: criteria provided, single submitter. Criteria: ACMG Guidelines, 2015. Collection method: clinical testing. Allele origin: unknown.

Labcorp Genetics (formerly Invitae), Labcorp
Classification: Uncertain significance for Neuroblastoma, susceptibility to, 3. Last evaluated: 2022-10-08. Review status: criteria provided, single submitter. Criteria: Invitae Variant Classification Sherloc (09022015). Collection method: clinical testing. Allele origin: germline.
Comment: This sequence change replaces glutamic acid, which is acidic and polar, with glycine, which is neutral and non-polar, at codon 1434 of the ALK protein (p.Glu1434Gly). This variant is not present in population databases (gnomAD no frequency). This variant has not been reported in the literature in individuals affected with ALK-related conditions. Algorithms developed to predict the effect of missense changes on protein structure and function output the following: SIFT: "Deleterious"; PolyPhen-2: "Benign"; Align-GVGD: "Class C0". The glycine amino acid residue is found in multiple mammalian species, which suggests that this missense change does not adversely affect protein function. In summary, the available evidence is currently insufficient to determine the role of this variant in disease. Therefore, it has been classified as a Variant of Uncertain Significance.